The following is an entry in ClinVar:

NM_012448.4(STAT5B):c.1380+6G>A

Gene: STAT5B (signal transducer and activator of transcription 5B; minus strand). Cytogenetic location: 17q21.2.
Variant type: single nucleotide variant.
Coding change: c.1380+6G>A on transcript NM_012448.4 (MANE Select); 6 bases into the intron after coding-DNA position 1380, G replaced by A.
Molecular consequence: intron variant.
Genome position (GRCh38, 1-based): chr17:42,217,154, C>T on the plus strand (G>A on the coding strand, the complement: STAT5B is on the minus strand). VCF-style: chr17-42217154-C-T. GRCh37 (hg19) VCF-style: chr17-40369172-C-T.
Identifiers: ClinVar variation 2918657 (VCV002918657.3), dbSNP rs760524219, ClinGen allele CA8574068.

ClinVar aggregate classification (germline): Uncertain significance (1 of 4 stars; one submission).

Conditions:
Growth hormone insensitivity with immune dysregulation 1, autosomal recessive. Also called: GROWTH HORMONE INSENSITIVITY DUE TO POSTRECEPTOR DEFECT; LARON SYNDROME DUE TO POSTRECEPTOR DEFECT; GROWTH HORMONE INSENSITIVITY SYNDROME WITH IMMUNE DYSREGULATION 1, AUTOSOMAL RECESSIVE; Laron syndrome with immunodeficiency. Identifiers: Orphanet 220465, MedGen C5435698, MONDO:0100211, OMIM 245590.

Allele frequency attached by ClinVar (database versions not stated): ExAC 0.00001; gnomAD 0.00001; gnomAD exomes 0.00001; TOPMed 0.00001.
gnomAD v4.1: 17 of 1,610,264 alleles (0.0011%); highest among the groups gnomAD compares: Non-Finnish European, 0.000085%; no homozygotes.

Submission:

Labcorp Genetics (formerly Invitae), Labcorp
Classification: Uncertain significance for Growth hormone insensitivity with immune dysregulation 1, autosomal recessive. Last evaluated: 2025-02-04. Review status: criteria provided, single submitter. Criteria: Invitae Variant Classification Sherloc (09022015). Collection method: clinical testing. Allele origin: germline.
Comment: This sequence change falls in intron 11 of the STAT5B gene. It does not directly change the encoded amino acid sequence of the STAT5B protein. It affects a nucleotide within the consensus splice site. This variant is present in population databases (rs760524219, gnomAD 0.03%). This variant has not been reported in the literature in individuals affected with STAT5B-related conditions. ClinVar contains an entry for this variant (Variation ID: 2918657). Variants that disrupt the consensus splice site are a relatively common cause of aberrant splicing (PMID: 17576681, 9536098). Algorithms developed to predict the effect of sequence changes on RNA splicing suggest that this variant is not likely to affect RNA splicing. In summary, the available evidence is currently insufficient to determine the role of this variant in disease. Therefore, it has been classified as a Variant of Uncertain Significance.

Literature cited by the submitters: PubMed 17576681; PubMed 9536098.